The following is an entry in ClinVar:

ClinVar aggregate classification (germline): Uncertain significance (1 of 4 stars; one submission).

Submission:

Women's Health and Genetics/Laboratory Corporation of America, LabCorp
Classification: Uncertain significance. Last evaluated: 2025-09-11. Review status: criteria provided, single submitter. Criteria: LabCorp Variant Classification Summary - May 2015. Collection method: clinical testing. Allele origin: germline.
Comment: Variant summary: CCNK c.953A>C (p.Gln318Pro) results in a non-conservative amino acid change in the encoded protein sequence. Algorithms developed to predict the effect of missense changes on protein structure and function are either unavailable or do not agree on the potential impact of this missense change. The variant was absent in 248936 control chromosomes. The available data on variant occurrences in the general population are insufficient to allow any conclusion about variant significance. To our knowledge, no occurrence of c.953A>C in individuals affected with CCNK-related conditions and no experimental evidence demonstrating its impact on protein function have been reported. No submitters have cited clinical-significance assessments for this variant to ClinVar. Based on the evidence outlined above, the variant was classified as uncertain significance.

NM_001099402.2(CCNK):c.953A>C (p.Gln318Pro)

Genes: CCDC85C (coiled-coil domain containing 85C; minus strand), CCNK (cyclin K; plus strand). Cytogenetic location: 14q32.2.
Variant type: single nucleotide variant.
Coding change: c.953A>C on transcript NM_001099402.2 (MANE Select); coding-DNA position 953, A replaced by C.
Protein change: p.Gln318Pro; replaces glutamine 318 with proline.
Molecular consequence: missense variant. On other transcripts: 3 prime UTR variant (1).
Genome position (GRCh38, 1-based): chr14:99,502,926, A>C. VCF-style: chr14-99502926-A-C. GRCh37 (hg19) VCF-style: chr14-99969263-A-C.
Other names: c.*12320T>G (NM_001144995.2); short protein forms Q318P.
Identifiers: ClinVar variation 4535595 (VCV004535595.1).